The following is an entry in ClinVar:

NM_005633.4(SOS1):c.797C>G (p.Thr266Arg)

Gene: SOS1 (SOS Ras/Rac guanine nucleotide exchange factor 1; minus strand). Cytogenetic location: 2p22.1.
Variant type: single nucleotide variant.
Coding change: c.797C>G on transcript NM_005633.4 (MANE Select); coding-DNA position 797, C replaced by G.
Protein change: p.Thr266Arg; replaces threonine 266 with arginine.
Molecular consequence: missense variant.
Genome position (GRCh38, 1-based): chr2:39,051,211, G>C on the plus strand (C>G on the coding strand, the complement: SOS1 is on the minus strand). VCF-style: chr2-39051211-G-C. GRCh37 (hg19) VCF-style: chr2-39278352-G-C.
Other names: c.776C>G, p.Thr259Arg (NM_001382394.1); c.797C>G, p.Thr266Arg (NM_001382395.1); short protein forms T259R, T266R.
Identifiers: ClinVar variation 1500284 (VCV001500284.6), dbSNP rs137852812, ClinGen allele CA346367688.

ClinVar aggregate classification (germline): Likely pathogenic (1 of 4 stars; one submission).

Conditions:
RASopathy. Also called: rasopathies; Noonan spectrum disorder. Identifiers: Orphanet 536391, MedGen C5555857, MONDO:0021060.

Submission:

Labcorp Genetics (formerly Invitae), Labcorp
Classification: Likely pathogenic for RASopathy. Last evaluated: 2021-11-24. Review status: criteria provided, single submitter. Criteria: Invitae Variant Classification Sherloc (09022015). Collection method: clinical testing. Allele origin: germline.
Comment: This sequence change replaces threonine, which is neutral and polar, with arginine, which is basic and polar, at codon 266 of the SOS1 protein (p.Thr266Arg). This variant is not present in population databases (gnomAD no frequency). This variant has not been reported in the literature in individuals affected with SOS1-related conditions. Advanced modeling of protein sequence and biophysical properties (such as structural, functional, and spatial information, amino acid conservation, physicochemical variation, residue mobility, and thermodynamic stability) performed at Invitae indicates that this missense variant is expected to disrupt SOS1 protein function. This variant disrupts the p.Thr266 amino acid residue in SOS1. Other variant(s) that disrupt this residue have been determined to be pathogenic (PMID: 17143285, 19020799, 19953625, 21387466). This suggests that this residue is clinically significant, and that variants that disrupt this residue are likely to be disease-causing. In summary, the currently available evidence indicates that the variant is pathogenic, but additional data are needed to prove that conclusively. Therefore, this variant has been classified as Likely Pathogenic.

Literature cited by the submitters: PubMed 17143285; PubMed 19020799; PubMed 19953625; PubMed 21387466.